The following is an entry in ClinVar:

NM_001159699.2(FHL1):c.741del (p.Phe247fs)

Gene: FHL1 (four and a half LIM domains 1; plus strand). Cytogenetic location: Xq26.3.
Variant type: Deletion.
Coding change: c.741del on transcript NM_001159699.2 (MANE Select); coding-DNA position 741, one base deleted (T; older notation c.741delT).
Protein change: p.Phe247fs; shifts the reading frame from phenylalanine 247.
Molecular consequence: frameshift variant. On other transcripts: non-coding transcript variant (1).
Genome position (GRCh38, 1-based): chrX:136,209,875, T deleted; the last of 3 consecutive T bases (chrX:136,209,873-136,209,875); deleting any one gives the same sequence. VCF-style (leftmost placement, unchanged base first): chrX-136209872-GT-G. GRCh37 (hg19) VCF-style: chrX-135292031-GT-G.
Other names: c.693del, p.Phe231fs (NM_001159700.2, NM_001159704.1, NM_001167819.1 and 4 more transcripts); c.780del, p.Phe260fs (NM_001159701.2); c.893del, p.Leu298fs (NM_001159702.3, NM_001369326.1, NM_001369327.2 and 1 more transcripts); c.506del, p.Leu169fs (NM_001159703.2); c.554del, p.Leu185fs (NM_001330659.2); c.941del, p.Leu314fs (NM_001440769.1); short protein forms F231fs, F247fs, F260fs, L169fs, L185fs, L298fs, L314fs.
Identifiers: ClinVar variation 4687967 (VCV004687967.1).

ClinVar aggregate classification (germline): Likely pathogenic (1 of 4 stars; one submission).

Conditions:
X-linked myopathy with postural muscle atrophy. Also called: FHL1-Related Emery-Dreifuss Muscular Dystrophy, X-Linked. Identifiers: Orphanet 178461, MedGen C2678055, MONDO:0010401, OMIM 300696.

Submission:

Human Genetics Bochum, Ruhr University Bochum
Classification: Likely pathogenic for X-linked myopathy with postural muscle atrophy. Last evaluated: 2024-07-01. Review status: criteria provided, single submitter. Criteria: ACMG Guidelines, 2015. Collection method: clinical testing. Allele origin: germline. Affected: yes.
Comment: ACMG criteria used to clasify this variant: PVS1, PM2_SUP